The following is an entry in ClinVar:

NM_020791.4(TAOK1):c.1507C>T (p.Gln503Ter)

Gene: TAOK1 (TAO kinase 1; plus strand). Cytogenetic location: 17q11.2.
Variant type: single nucleotide variant.
Coding change: c.1507C>T on transcript NM_020791.4 (MANE Select); coding-DNA position 1507, C replaced by T.
Protein change: p.Gln503Ter; replaces glutamine 503 with a stop codon.
Molecular consequence: nonsense.
Genome position (GRCh38, 1-based): chr17:29,508,064, C>T. VCF-style: chr17-29508064-C-T. GRCh37 (hg19) VCF-style: chr17-27835082-C-T.
Other names: c.1507C>T, p.Gln503Ter (NM_025142.1); short protein forms Q503*.
Identifiers: ClinVar variation 3359054 (VCV003359054.4).
Genomic context (GRCh38, chr17:29,508,064, plus strand): 5'-AACAAGCTAAAGGCTGAGATGGATGAACATCGCCTCAGATTAGACAAAGATCTTGAAACT[C>T]AGCGTAACAATTTTGCTGCAGAAATGGAGAAACTTATCAAGAAACACCAGGCTGCCATGG-3'

ClinVar aggregate classification (germline): Pathogenic (1 of 4 stars; one submission).

Conditions:
Developmental delay with or without intellectual impairment or behavioral abnormalities. Identifiers: MedGen C5562004, MONDO:0859199, OMIM 619575.

Submission:

Institute of Human Genetics, University of Leipzig Medical Center
Classification: Pathogenic for Developmental delay with or without intellectual impairment or behavioral abnormalities. Last evaluated: 2024-08-13. Review status: criteria provided, single submitter. Criteria: ACMG Guidelines, 2015. Collection method: clinical testing. Allele origin: de novo. Inheritance: Autosomal dominant inheritance. Affected: yes.
Comment: Criteria applied: PVS1,PM2